The following is an entry in ClinVar:

NM_016239.4(MYO15A):c.9123C>G (p.Ser3041=)

Gene: MYO15A (myosin XVA; plus strand). Cytogenetic location: 17p11.2.
Variant type: single nucleotide variant.
Coding change: c.9123C>G on transcript NM_016239.4 (MANE Select); coding-DNA position 9123, C replaced by G.
Protein change: p.Ser3041=; no amino-acid change (serine 3041 retained).
Molecular consequence: synonymous variant.
Genome position (GRCh38, 1-based): chr17:18,158,964, C>G. VCF-style: chr17-18158964-C-G. GRCh37 (hg19) VCF-style: chr17-18062278-C-G.
Identifiers: ClinVar variation 227654 (VCV000227654.4), dbSNP rs876657528, ClinGen allele CA10577027.
Genomic context (GRCh38, chr17:18,158,964, plus strand): 5'-AGCACCCACCTCCCACTGCAGGGATGGCCTCAGGCTGAAATCCAAGGAGCCTCGGGAGTC[C>G]AGAACCTTGGAGGACATGCTTTGCTTCACCAAGGTGTCCAGTCCCGGACCTCAGTTTCCC-3'
Protein context (NP_057323.3, residues 3031-3051): LRLKSKEPRE[Ser3041=]RTLEDMLCFT

ClinVar aggregate classification (germline): Likely benign (1 of 4 stars; one submission).

Allele frequency attached by ClinVar (database versions not stated): gnomAD exomes below 0.00001.

Submission:

Laboratory for Molecular Medicine, Mass General Brigham Personalized Medicine
Classification: Likely benign. Last evaluated: 2016-01-06. Review status: criteria provided, single submitter. Criteria: LMM Criteria. Collection method: clinical testing. Allele origin: germline. Observed: 1 variant allele.
Comment: p.Ser3041Ser in exon 53 of MYO15A: This variant is not expected to have clinical significance because it does not alter an amino acid residue and it is not loca ted within the splice consensus sequence.